The following is an entry in ClinVar:

ClinVar aggregate classification (germline): Uncertain significance (1 of 4 stars; one submission).

gnomAD v4.1: 3 of 1,605,480 alleles (0.00019%); highest among the groups gnomAD compares: African/African-American, 0.0027%; no homozygotes.

Submission:

Labcorp Genetics (formerly Invitae), Labcorp
Classification: Uncertain significance. Last evaluated: 2022-01-26. Review status: criteria provided, single submitter. Criteria: Invitae Variant Classification Sherloc (09022015). Collection method: clinical testing. Allele origin: germline.
Comment: In summary, the available evidence is currently insufficient to determine the role of this variant in disease. Therefore, it has been classified as a Variant of Uncertain Significance. Algorithms developed to predict the effect of missense changes on protein structure and function (SIFT, PolyPhen-2, Align-GVGD) all suggest that this variant is likely to be tolerated. This variant has not been reported in the literature in individuals affected with GUF1-related conditions. This variant is present in population databases (no rsID available, gnomAD 0.003%). This sequence change replaces threonine, which is neutral and polar, with isoleucine, which is neutral and non-polar, at codon 230 of the GUF1 protein (p.Thr230Ile).

NM_021927.3(GUF1):c.689C>T (p.Thr230Ile)

Gene: GUF1 (GTP binding elongation factor GUF1; plus strand). Cytogenetic location: 4p12.
Variant type: single nucleotide variant.
Coding change: c.689C>T on transcript NM_021927.3 (MANE Select); coding-DNA position 689, C replaced by T.
Protein change: p.Thr230Ile; replaces threonine 230 with isoleucine.
Molecular consequence: missense variant. On other transcripts: 5 prime UTR variant (2).
Genome position (GRCh38, 1-based): chr4:44,685,978, C>T. VCF-style: chr4-44685978-C-T. GRCh37 (hg19) VCF-style: chr4-44687995-C-T.
Other names: c.-284C>T (NM_001345867.2, NM_001345869.2); c.689C>T, p.Thr230Ile (NM_001345868.2); short protein forms T230I.
Identifiers: ClinVar variation 2090089 (VCV002090089.4), dbSNP rs757598628, ClinGen allele CA356762133.